The following is an entry in ClinVar:

ClinVar aggregate classification (germline): Benign (0 of 4 stars; one submission).

Conditions:
TRAF7-related disorder. Also called: TRAF7-related condition.

Allele frequency attached by ClinVar (database versions not stated): gnomAD exomes 0.00060; 1000 Genomes Project 30x 0.00593; ESP Exome Variant Server 0.00608; 1000 Genomes Project 0.00619.
gnomAD v4.1: 1,705 of 1,613,420 alleles (0.11%); highest among the groups gnomAD compares: African/African-American, 1.8%; 17 homozygotes.

Submission:

PreventionGenetics, part of Exact Sciences
Classification: Benign for TRAF7-related condition. Last evaluated: 2019-02-19. Review status: no assertion criteria provided. Collection method: clinical testing. Allele origin: germline.
Comment: This variant is classified as benign based on ACMG/AMP sequence variant interpretation guidelines (Richards et al. 2015 PMID: 25741868, with internal and published modifications).

NM_032271.3(TRAF7):c.1999-4G>A

Gene: TRAF7 (TNF receptor associated factor 7; plus strand). Cytogenetic location: 16p13.3.
Variant type: single nucleotide variant.
Coding change: c.1999-4G>A on transcript NM_032271.3 (MANE Select); 4 bases into the intron before coding-DNA position 1999, G replaced by A.
Molecular consequence: intron variant.
Genome position (GRCh38, 1-based): chr16:2,176,556, G>A. VCF-style: chr16-2176556-G-A. GRCh37 (hg19) VCF-style: chr16-2226557-G-A.
Identifiers: ClinVar variation 3045693 (VCV003045693.2), dbSNP rs147744095, ClinGen allele CA7835211.